The following is an entry in ClinVar:

ClinVar aggregate classification (germline): Pathogenic. Review status: criteria provided, multiple submitters, no conflicts (2 of 4 stars). 3 submissions from 3 submitters: Pathogenic (3). Last evaluated 2025-05-18.

Conditions:
Hereditary cancer-predisposing syndrome. Also called: Hereditary neoplastic syndrome; Neoplastic Syndromes, Hereditary; Tumor predisposition; Hereditary Cancer Syndrome. Identifiers: Orphanet 140162, MedGen C0027672, MeSH D009386, MONDO:0015356.
Breast-ovarian cancer, familial, susceptibility to, 4. Identifiers: Orphanet 145, MedGen C3280345, MONDO:0013669, OMIM 614291.

Allele frequency attached by ClinVar (database versions not stated): gnomAD exomes 0.00001.

Submissions (3):

Labcorp Genetics (formerly Invitae), Labcorp
Classification: Pathogenic for Breast-ovarian cancer, familial, susceptibility to, 4. Last evaluated: 2025-05-18. Review status: criteria provided, single submitter. Criteria: Invitae Variant Classification Sherloc (09022015). Collection method: clinical testing. Allele origin: germline.
Comment: This sequence change creates a premature translational stop signal (p.Val189Trpfs*5) in the RAD51D gene. It is expected to result in an absent or disrupted protein product. Loss-of-function variants in RAD51D are known to be pathogenic (PMID: 21822267). This variant is not present in population databases (gnomAD no frequency). This premature translational stop signal has been observed in individual(s) with breast, ovarian, and/or prostate cancer (PMID: 25452441, 26261251, 29915322, 32107557). ClinVar contains an entry for this variant (Variation ID: 186177). For these reasons, this variant has been classified as Pathogenic.

Ambry Genetics
Classification: Pathogenic for Hereditary cancer-predisposing syndrome. Last evaluated: 2024-05-30. Review status: criteria provided, single submitter. Criteria: Ambry Variant Classification Scheme 2023. Collection method: clinical testing. Allele origin: germline.
Comment: The c.564delT pathogenic mutation, located in coding exon 6 of the RAD51D gene, results from a deletion of one nucleotide at nucleotide position 564, causing a translational frameshift with a predicted alternate stop codon (p.V189Tfs*5). In another study, this variant was reported in 3/60,466 breast cancer cases and in 0/53,461 controls (Dorling et al. N Engl J Med. 2021 02;384:428-439). This variant is considered to be rare based on population cohorts in the Genome Aggregation Database (gnomAD). In addition to the clinical data presented in the literature, this alteration is expected to result in loss of function by premature protein truncation or nonsense-mediated mRNA decay. As such, this alteration is interpreted as a disease-causing mutation.

Myriad Genetics, Inc.
Classification: Pathogenic for Breast-ovarian cancer, familial, susceptibility to, 4. Last evaluated: 2024-01-04. Review status: criteria provided, single submitter. Criteria: Myriad Autosomal Dominant, Autosomal Recessive and X-Linked Classification Criteria (2023). Collection method: clinical testing. Allele origin: unknown.
Comment: This variant is considered pathogenic. This variant creates a frameshift predicted to result in premature protein truncation.

Literature cited by the submitters: PubMed 21822267 (cited by Labcorp Genetics (formerly Invitae), Labcorp); PubMed 25452441 (cited by Labcorp Genetics (formerly Invitae), Labcorp and Ambry Genetics); PubMed 26261251 (cited by Labcorp Genetics (formerly Invitae), Labcorp and Ambry Genetics); PubMed 29915322 (cited by Labcorp Genetics (formerly Invitae), Labcorp); PubMed 32107557 (cited by Labcorp Genetics (formerly Invitae), Labcorp); PubMed 33471991 (cited by Ambry Genetics).

NM_002878.4(RAD51D):c.564del (p.Val189fs)

Genes: RAD51L3-RFFL (RAD51L3-RFFL readthrough; minus strand), RAD51D (RAD51 paralog D; minus strand). Cytogenetic location: 17q12.
Variant type: Deletion.
Coding change: c.564del on transcript NM_002878.4 (MANE Select); coding-DNA position 564, one base deleted (T; older notation c.564delT).
Protein change: p.Val189fs; shifts the reading frame from valine 189.
Molecular consequence: frameshift variant. On other transcripts: non-coding transcript variant (3).
Genome position (GRCh38, 1-based): chr17:35,106,398, A deleted on the plus strand (T on the coding strand, the reverse complement: RAD51D is on the minus strand). VCF-style (leftmost placement, unchanged base first): chr17-35106397-CA-C. GRCh37 (hg19) VCF-style: chr17-33433416-CA-C.
Other names: c.624del, p.Val209fs (NM_001142571.2); c.228del, p.Val77fs (NM_133629.3); c.564delT (NM_002878.3); short protein forms V189fs, V209fs, V77fs.
Identifiers: ClinVar variation 186177 (VCV000186177.8), dbSNP rs786202750, ClinGen allele CA194073.